The following is an entry in ClinVar:

ClinVar aggregate classification (germline): Uncertain significance (1 of 4 stars; one submission).

Conditions:
Candidiasis, familial, 9 (CANDF9). Identifiers: Orphanet 1334, MedGen C4225324, MONDO:0014642, OMIM 616445.

Submission:

Labcorp Genetics (formerly Invitae), Labcorp
Classification: Uncertain significance for Candidiasis, familial, 9. Last evaluated: 2024-05-17. Review status: criteria provided, single submitter. Criteria: Invitae Variant Classification Sherloc (09022015). Collection method: clinical testing. Allele origin: germline.
Comment: This sequence change falls in intron 5 of the IL17RC gene. It does not directly change the encoded amino acid sequence of the IL17RC protein. It affects a nucleotide within the consensus splice site. This variant is not present in population databases (gnomAD no frequency). This variant has not been reported in the literature in individuals affected with IL17RC-related conditions. Variants that disrupt the consensus splice site are a relatively common cause of aberrant splicing (PMID: 17576681, 9536098). Algorithms developed to predict the effect of sequence changes on RNA splicing suggest that this variant is not likely to affect RNA splicing. In summary, the available evidence is currently insufficient to determine the role of this variant in disease. Therefore, it has been classified as a Variant of Uncertain Significance.

Literature cited by the submitters: PubMed 17576681; PubMed 9536098.

NM_153460.4(IL17RC):c.465+6C>A

Gene: IL17RC (interleukin 17 receptor C; plus strand). Cytogenetic location: 3p25.3.
Variant type: single nucleotide variant.
Coding change: c.465+6C>A on transcript NM_153460.4 (MANE Select); 6 bases into the intron after coding-DNA position 465, C replaced by A.
Molecular consequence: intron variant.
Genome position (GRCh38, 1-based): chr3:9,918,615, C>A. VCF-style: chr3-9918615-C-A. GRCh37 (hg19) VCF-style: chr3-9960299-C-A.
Other names: c.678+6C>A (NM_153461.4); c.465+6C>A (NM_001203263.2, NM_001203264.2, NM_001367278.1 and 4 more transcripts); c.390+6C>A (NM_001367279.1).
Identifiers: ClinVar variation 3653676 (VCV003653676.2).
Genomic context (GRCh38, chr3:9,918,615, plus strand): 5'-CGTCCTGCTGGAGGTGCAAGTGCCTGCTGCCCTTGTGCAGTTTGGTCAGTCTGTGGTATG[C>A]AAAATAATAATAATCACCTTCTAAACCTAAAATCTATAAAACTTTTTCACATGCATTATC-3'